The following is an entry in ClinVar:

ClinVar aggregate classification (germline): Pathogenic/Likely pathogenic. Review status: criteria provided, multiple submitters, no conflicts (2 of 4 stars). 2 submissions from 2 submitters: Pathogenic (1); Likely pathogenic (1). Last evaluated 2022-06-02.

Conditions:
Histiocytic medullary reticulosis. Also called: SEVERE COMBINED IMMUNODEFICIENCY WITH HYPEREOSINOPHILIA; Omenn syndrome. Identifiers: Orphanet 39041, MedGen C2700553, MONDO:0011338, OMIM 603554.
Severe combined immunodeficiency due to DCLRE1C deficiency (RS-SCID). Also called: SCID, AUTOSOMAL RECESSIVE, T CELL-NEGATIVE, B CELL-NEGATIVE, NK CELL-POSITIVE, WITH SENSITIVITY TO IONIZING RADIATION. Identifiers: Orphanet 275, MedGen C1865371, MONDO:0011225, OMIM 602450.

Submissions (2):

Labcorp Genetics (formerly Invitae), Labcorp
Classification: Pathogenic for Athabaskan severe combined immunodeficiency. Last evaluated: 2022-06-02. Review status: criteria provided, single submitter. Criteria: Invitae Variant Classification Sherloc (09022015). Collection method: clinical testing. Allele origin: germline.
Comment: For these reasons, this variant has been classified as Pathogenic. ClinVar contains an entry for this variant (Variation ID: 666082). This variant has not been reported in the literature in individuals affected with DCLRE1C-related conditions. This variant is not present in population databases (gnomAD no frequency). This sequence change creates a premature translational stop signal (p.Gln252*) in the DCLRE1C gene. It is expected to result in an absent or disrupted protein product. Loss-of-function variants in DCLRE1C are known to be pathogenic (PMID: 21664875, 26123418).

Baylor Genetics
Classification: Likely pathogenic for Histiocytic medullary reticulosis. Last evaluated: 2022-01-28. Review status: criteria provided, single submitter. Criteria: ACMG Guidelines, 2015. Collection method: clinical testing. Allele origin: unknown.

Literature cited by the submitters: PubMed 21664875 (cited by Labcorp Genetics (formerly Invitae), Labcorp); PubMed 26123418 (cited by Labcorp Genetics (formerly Invitae), Labcorp).

NM_001033855.3(DCLRE1C):c.754C>T (p.Gln252Ter)

Gene: DCLRE1C (DNA cross-link repair 1C; minus strand). Cytogenetic location: 10p13.
Variant type: single nucleotide variant.
Coding change: c.754C>T on transcript NM_001033855.3 (MANE Select); coding-DNA position 754, C replaced by T.
Protein change: p.Gln252Ter; replaces glutamine 252 with a stop codon.
Molecular consequence: nonsense. On other transcripts: non-coding transcript variant (4).
Genome position (GRCh38, 1-based): chr10:14,932,880, G>A on the plus strand (C>T on the coding strand, the complement: DCLRE1C is on the minus strand). VCF-style: chr10-14932880-G-A. GRCh37 (hg19) VCF-style: chr10-14974879-G-A.
Other names: c.394C>T, p.Gln132Ter (NM_001033857.3, NM_001033858.3, NM_001289077.2 and 2 more transcripts); c.409C>T, p.Gln137Ter (NM_001289076.2, NM_001289078.2, NM_001350966.2 and 1 more transcripts); c.754C>T, p.Gln252Ter (NM_001350965.2); short protein forms Q132*, Q252*, Q137*.
Identifiers: ClinVar variation 666082 (VCV000666082.9), dbSNP rs1589050343, ClinGen allele CA376058366.